The following is an entry in ClinVar:

ClinVar aggregate classification (germline): Uncertain significance (1 of 4 stars; one submission).

Allele frequency attached by ClinVar (database versions not stated): gnomAD exomes below 0.00001; gnomAD 0.00001.

Submission:

Labcorp Genetics (formerly Invitae), Labcorp
Classification: Uncertain significance. Last evaluated: 2024-10-24. Review status: criteria provided, single submitter. Criteria: Invitae Variant Classification Sherloc (09022015). Collection method: clinical testing. Allele origin: germline.
Comment: This sequence change replaces aspartic acid, which is acidic and polar, with asparagine, which is neutral and polar, at codon 41 of the CCBE1 protein (p.Asp41Asn). This variant is not present in population databases (gnomAD no frequency). This variant has not been reported in the literature in individuals affected with CCBE1-related conditions. ClinVar contains an entry for this variant (Variation ID: 1360883). An algorithm developed to predict the effect of missense changes on protein structure and function outputs the following: PolyPhen-2: "Probably Damaging". The asparagine amino acid residue is found in multiple mammalian species, which suggests that this missense change does not adversely affect protein function. In summary, the available evidence is currently insufficient to determine the role of this variant in disease. Therefore, it has been classified as a Variant of Uncertain Significance.

NM_133459.4(CCBE1):c.121G>A (p.Asp41Asn)

Gene: CCBE1 (collagen and calcium binding EGF domains 1; minus strand). Cytogenetic location: 18q21.32.
Variant type: single nucleotide variant.
Coding change: c.121G>A on transcript NM_133459.4 (MANE Select); coding-DNA position 121, G replaced by A.
Protein change: p.Asp41Asn; replaces aspartic acid 41 with asparagine.
Molecular consequence: missense variant.
Genome position (GRCh38, 1-based): chr18:59,697,222, C>T on the plus strand (G>A on the coding strand, the complement: CCBE1 is on the minus strand). VCF-style: chr18-59697222-C-T. GRCh37 (hg19) VCF-style: chr18-57364454-C-T.
Other names: short protein forms D41N.
Identifiers: ClinVar variation 1360883 (VCV001360883.7), dbSNP rs2054820970, ClinGen allele CA402717393.